The following is an entry in ClinVar:

NM_007294.4(BRCA1):c.2404G>T (p.Val802Leu)

Gene: BRCA1 (BRCA1 DNA repair associated; minus strand). Cytogenetic location: 17q21.31.
Variant type: single nucleotide variant.
Coding change: c.2404G>T on transcript NM_007294.4 (MANE Select); coding-DNA position 2404, G replaced by T.
Protein change: p.Val802Leu; replaces valine 802 with leucine.
Molecular consequence: missense variant. On other transcripts: intron variant (137).
Genome position (GRCh38, 1-based): chr17:43,093,127, C>A on the plus strand (G>T on the coding strand, the complement: BRCA1 is on the minus strand). VCF-style: chr17-43093127-C-A. GRCh37 (hg19) VCF-style: chr17-41245144-C-A.
Other names: c.2191G>T, p.Val731Leu (NM_001407571.1, NM_001407853.1, NM_001407894.1 and 9 more transcripts); c.2404G>T, p.Val802Leu (NM_001407581.1, NM_001407582.1, NM_001407583.1 and 30 more transcripts); c.2401G>T, p.Val801Leu (NM_001407587.1, NM_001407590.1, NM_001407591.1 and 22 more transcripts); c.2395G>T, p.Val799Leu (NM_001407646.1, NM_001407647.1); c.2281G>T, p.Val761Leu (NM_001407648.1, NM_001407664.1, NM_001407665.1 and 19 more transcripts); c.2278G>T, p.Val760Leu (NM_001407649.1, NM_001407670.1, NM_001407671.1 and 11 more transcripts); c.2326G>T, p.Val776Leu (NM_001407653.1, NM_001407654.1, NM_001407655.1 and 4 more transcripts); c.2323G>T, p.Val775Leu (NM_001407659.1, NM_001407660.1, NM_001407661.1 and 1 more transcripts); and 41 more; short protein forms V802L, V755L, V634L, V734L, V506L, V691L, V714L, V760L.
Identifiers: ClinVar variation 234150 (VCV000234150.22), dbSNP rs876660885, ClinGen allele CA10580616.

ClinVar aggregate classification (germline): Conflicting classifications of pathogenicity. Review status: criteria provided, conflicting classifications (1 of 4 stars). 5 submissions from 5 submitters: Uncertain significance (4); Likely benign (1). Last evaluated 2025-10-28.

Conditions:
Hereditary breast ovarian cancer syndrome. Also called: Hereditary breast and ovarian cancer syndrome; BRCA1- and BRCA2-Associated Hereditary Breast and Ovarian Cancer; Breast and ovarian cancer; Hereditary breast and/or ovarian cancer syndrome; Hereditary breast and ovarian cancer; Hereditary breast and ovarian cancer syndrome (HBOC). Identifiers: Orphanet 145, MedGen C0677776, MeSH D061325, MONDO:0003582. Disease mechanism: loss of function.
Hereditary cancer-predisposing syndrome. Also called: Neoplastic Syndromes, Hereditary; Tumor predisposition; Hereditary Cancer Syndrome; Hereditary neoplastic syndrome. Identifiers: Orphanet 140162, MedGen C0027672, MeSH D009386, MONDO:0015356.

Allele frequency attached by ClinVar (database versions not stated): TOPMed below 0.00001.

Submissions (5):

Ambry Genetics
Classification: Uncertain significance for Hereditary cancer-predisposing syndrome. Last evaluated: 2025-10-28. Review status: criteria provided, single submitter. Criteria: Ambry Variant Classification Scheme 2023. Collection method: clinical testing. Allele origin: germline.
Comment: The p.V802L variant (also known as c.2404G>T), located in coding exon 9 of the BRCA1 gene, results from a G to T substitution at nucleotide position 2404. The valine at codon 802 is replaced by leucine, an amino acid with highly similar properties. This amino acid position is poorly conserved in available vertebrate species. In addition, this alteration is predicted to be tolerated by in silico analysis. Since supporting evidence is limited at this time, the clinical significance of this alteration remains unclear.

Labcorp Genetics (formerly Invitae), Labcorp
Classification: Uncertain significance for Hereditary breast ovarian cancer syndrome. Last evaluated: 2024-11-07. Review status: criteria provided, single submitter. Criteria: Invitae Variant Classification Sherloc (09022015). Collection method: clinical testing. Allele origin: germline.
Comment: This sequence change replaces valine, which is neutral and non-polar, with leucine, which is neutral and non-polar, at codon 802 of the BRCA1 protein (p.Val802Leu). This variant is not present in population databases (gnomAD no frequency). This variant has not been reported in the literature in individuals affected with BRCA1-related conditions. ClinVar contains an entry for this variant (Variation ID: 234150). Invitae Evidence Modeling of protein sequence and biophysical properties (such as structural, functional, and spatial information, amino acid conservation, physicochemical variation, residue mobility, and thermodynamic stability) indicates that this missense variant is not expected to disrupt BRCA1 protein function with a negative predictive value of 80%. In summary, the available evidence is currently insufficient to determine the role of this variant in disease. Therefore, it has been classified as a Variant of Uncertain Significance.

Color Diagnostics, LLC DBA Color Health
Classification: Uncertain significance for Hereditary cancer-predisposing syndrome. Last evaluated: 2024-08-19. Review status: criteria provided, single submitter. Criteria: ACMG Guidelines, 2015. Collection method: clinical testing. Allele origin: germline.
Comment: This missense variant replaces valine with leucine at codon 802 of the BRCA1 protein. Computational prediction suggests that this variant may not impact protein structure and function. To our knowledge, functional studies have not been reported for this variant. This variant has been detected in a breast cancer case-control meta-analysis in 1/60466 cases and 0/53461 unaffected individuals (PMID: 33471991; Leiden Open Variation Database DB-ID BRCA1_006415). A multifactorial analysis has reported a likelihood ratio based on personal and family history of 1.535 from log(LR)=0.186119705 (PMID: 31853058). This variant has not been identified in the general population by the Genome Aggregation Database (gnomAD). The available evidence is insufficient to determine the role of this variant in disease conclusively. Therefore, this variant is classified as a Variant of Uncertain Significance.

University of Washington Department of Laboratory Medicine, University of Washington
Classification: Likely benign for Hereditary cancer-predisposing syndrome. Last evaluated: 2023-03-23. Review status: criteria provided, single submitter. Criteria: Dines et al. (Genet Med. 2020). Collection method: curation. Allele origin: germline.
Comment: Missense variant in a coldspot region where missense variants are very unlikely to be pathogenic (PMID:31911673).

BRCA1 coldspot (exon 11 using historical exon numbering). Reclassification based on statistical prior probability

Sema4
Classification: Uncertain significance for Hereditary cancer-predisposing syndrome. Last evaluated: 2021-09-15. Review status: criteria provided, single submitter. Criteria: Sema4 Curation Guidelines. Collection method: curation. Allele origin: germline.
Comment: The BRCA1 c.2404G>T (p.V802L) variant has been reported in at least one individual with breast cancer (PMID: 33471991). It was not observed in the large and broad cohorts of the Genome Aggregation Database. The variant has been reported in ClinVar (Variation ID: 234150). Functional studies have not been performed, and in silico predictions of the variant's effect on protein function are inconclusive. The evidence is insufficient to meet ACMG/AMP criteria for classifying the variant as benign or pathogenic. Thus, the clinical significance of this variant is currently uncertain.

Literature cited by the submitters: PubMed 31853058 (cited by Color Diagnostics, LLC DBA Color Health); PubMed 33471991 (cited by Color Diagnostics, LLC DBA Color Health and Sema4).